The following is an entry in ClinVar:

NM_182914.3(SYNE2):c.11671-4C>A

Gene: SYNE2 (spectrin repeat containing nuclear envelope protein 2; plus strand). Cytogenetic location: 14q23.2.
Variant type: single nucleotide variant.
Coding change: c.11671-4C>A on transcript NM_182914.3 (MANE Select); 4 bases into the intron before coding-DNA position 11671, C replaced by A.
Molecular consequence: intron variant.
Genome position (GRCh38, 1-based): chr14:64,089,570, C>A. VCF-style: chr14-64089570-C-A. GRCh37 (hg19) VCF-style: chr14-64556288-C-A.
Other names: c.11671-4C>A (NM_015180.6).
Identifiers: ClinVar variation 313561 (VCV000313561.24), dbSNP rs193068394, ClinGen allele CA7221887.

ClinVar aggregate classification (germline): Benign/Likely benign. Review status: criteria provided, multiple submitters, no conflicts (2 of 4 stars). 4 submissions from 4 submitters: Benign (2); Likely benign (2). Last evaluated 2026-01-26.

Conditions:
Emery-Dreifuss muscular dystrophy 5, autosomal dominant (EDMD5). Also called: EMERY-DREIFUSS MUSCULAR DYSTROPHY 5. Identifiers: Orphanet 261, MedGen C2751805, MONDO:0013072, OMIM 612999.

Allele frequency attached by ClinVar (database versions not stated): gnomAD exomes 0.00069; ExAC 0.00092; ESP Exome Variant Server 0.00309; 1000 Genomes Project 0.00319; gnomAD 0.00325 and 0.00349; TOPMed 0.00351; 1000 Genomes Project 30x 0.00422.
gnomAD v4.1: 886 of 1,608,088 alleles (0.055%); highest among the groups gnomAD compares: African/African-American, 1.1%; 3 homozygotes.

Submissions (4):

Labcorp Genetics (formerly Invitae), Labcorp
Classification: Benign for Emery-Dreifuss muscular dystrophy 5, autosomal dominant. Last evaluated: 2026-01-26. Review status: criteria provided, single submitter. Criteria: Invitae Variant Classification Sherloc (09022015). Collection method: clinical testing. Allele origin: germline.

CeGaT Center for Human Genetics Tuebingen
Classification: Likely benign. Last evaluated: 2025-11-01. Review status: criteria provided, single submitter. Criteria: CeGaT Center For Human Genetics Tuebingen Variant Classification Criteria Version 2. Collection method: clinical testing. Allele origin: germline. Affected: yes. Observed: 1 variant allele.
Comment: SYNE2: BP4, BS1

Blueprint Genetics
Classification: Likely benign. Last evaluated: 2024-07-30. Review status: criteria provided, single submitter. Criteria: ACMG Guidelines, 2015. Collection method: clinical testing. Allele origin: germline.

Illumina Laboratory Services, Illumina
Classification: Benign for Emery-Dreifuss muscular dystrophy 5, autosomal dominant. Last evaluated: 2018-01-13. Review status: criteria provided, single submitter. Criteria: ICSL Variant Classification Criteria 13 December 2019. Collection method: clinical testing. Allele origin: germline.
Comment: This variant was observed in the ICSL laboratory as part of a predisposition screen in an ostensibly healthy population. It had not been previously curated by ICSL or reported in the Human Gene Mutation Database (HGMD: prior to June 1st, 2018), and was therefore a candidate for classification through an automated scoring system. Utilizing variant allele frequency, disease prevalence and penetrance estimates, and inheritance mode, an automated score was calculated to assess if this variant is too frequent to cause the disease. Based on the score and internal cut-off values, a variant classified as benign is not then subjected to further curation. The score for this variant resulted in a classification of benign for this disease.